The following is an entry in ClinVar:

ClinVar aggregate classification (germline): Conflicting classifications of pathogenicity. Review status: criteria provided, conflicting classifications (1 of 4 stars). 3 submissions from 3 submitters: Uncertain significance (2); Likely benign (1). Last evaluated 2024-06-10.

Conditions:
Microcephaly and chorioretinopathy 1. Also called: Microcephaly and chorioretinopathy, autosomal recessive, 1. Identifiers: MedGen C3278481, MONDO:0009624, OMIM 251270.

Allele frequency attached by ClinVar (database versions not stated): ExAC 0.00007; TOPMed 0.00007.
gnomAD v4.1: 63 of 1,613,300 alleles (0.0039%); highest among the groups gnomAD compares: East Asian, 0.074%; no homozygotes.

Submissions (3):

Blueprint Genetics
Classification: Likely benign. Last evaluated: 2024-06-10. Review status: criteria provided, single submitter. Criteria: ACMG Guidelines, 2015. Collection method: clinical testing. Allele origin: germline.

Labcorp Genetics (formerly Invitae), Labcorp
Classification: Uncertain significance. Last evaluated: 2022-09-26. Review status: criteria provided, single submitter. Criteria: Invitae Variant Classification Sherloc (09022015). Collection method: clinical testing. Allele origin: germline.
Comment: This sequence change replaces valine, which is neutral and non-polar, with isoleucine, which is neutral and non-polar, at codon 1736 of the TUBGCP6 protein (p.Val1736Ile). This variant is present in population databases (rs762939715, gnomAD 0.08%). This variant has not been reported in the literature in individuals affected with TUBGCP6-related conditions. ClinVar contains an entry for this variant (Variation ID: 963955). Algorithms developed to predict the effect of missense changes on protein structure and function output the following: SIFT: "Tolerated"; PolyPhen-2: "Benign"; Align-GVGD: "Class C0". The isoleucine amino acid residue is found in multiple mammalian species, which suggests that this missense change does not adversely affect protein function. In summary, the available evidence is currently insufficient to determine the role of this variant in disease. Therefore, it has been classified as a Variant of Uncertain Significance.

Victorian Clinical Genetics Services, Murdoch Childrens Research Institute
Classification: Uncertain significance for Microcephaly and chorioretinopathy 1. Last evaluated: 2020-05-21. Review status: criteria provided, single submitter. Criteria: ACMG Guidelines, 2015. Collection method: clinical testing. Allele origin: germline. Inheritance: Autosomal recessive inheritance.
Comment: Based on the classification scheme VCGS_Germline_v1.1.1, this variant is classified as 3C-VUS. Following criteria are met: 0102 - Loss-of-function is a known mechanism of disease for this gene. (N) 0106 - This gene is known to be associated with autosomal recessive disease. (N) 0200 - Variant is predicted to result in a missense amino acid change from valine to isoleucine (exon 24). (N) 0251 - Variant is heterozygous. (N) 0304 - Variant is present in gnomAD <0.01 for a recessive condition (27 heterozygotes, 0 homozygotes). (P) 0309 - An alternative amino acid change at the same position has been observed in gnomAD (2 heterozygotes, 0 homozygotes). (N) 0503 - Missense variant consistently predicted to be tolerated or not conserved in mammals with a minor amino acid change. (B) 0504 - Same amino acid change has been observed in mammals. (B) 0600 - Variant is located in an annotated domain or motif (GCP C-terminal domain; Decipher, PDB). (N) 0705 - No comparable variants have previous evidence for pathogenicity. (N) 0807 - Variant has not previously been reported in a clinical context. (N) 0905 - No segregation evidence has been identified for this variant. (N) 1007 - No published functional evidence has been identified for this variant. (N) 1208 - Inheritance information for this variant is not currently available. (N) Legend: (P) - Pathogenic, (N) - Neutral, (B) - Benign

NM_020461.4(TUBGCP6):c.5206G>A (p.Val1736Ile)

Gene: TUBGCP6 (tubulin gamma complex component 6; minus strand). Cytogenetic location: 22q13.33.
Variant type: single nucleotide variant.
Coding change: c.5206G>A on transcript NM_020461.4 (MANE Select); coding-DNA position 5206, G replaced by A.
Protein change: p.Val1736Ile; replaces valine 1736 with isoleucine.
Molecular consequence: missense variant.
Genome position (GRCh38, 1-based): chr22:50,218,080, C>T on the plus strand (G>A on the coding strand, the complement: TUBGCP6 is on the minus strand). VCF-style: chr22-50218080-C-T. GRCh37 (hg19) VCF-style: chr22-50656509-C-T.
Other names: short protein forms V1736I.
Identifiers: ClinVar variation 963955 (VCV000963955.9), dbSNP rs762939715, ClinGen allele CA10307121.